The following is an entry in ClinVar:

ClinVar aggregate classification (germline): Uncertain significance (1 of 4 stars; one submission).

Submission:

Ambry Genetics
Classification: Uncertain significance. Last evaluated: 2021-11-30. Review status: criteria provided, single submitter. Criteria: Ambry Variant Classification Scheme 2023. Collection method: clinical testing. Allele origin: germline.
Comment: The p.D771N variant (also known as c.2311G>A), located in coding exon 22 of the KIF1B gene, results from a G to A substitution at nucleotide position 2311. The aspartic acid at codon 771 is replaced by asparagine, an amino acid with highly similar properties. This amino acid position is poorly conserved in available vertebrate species. In addition, this alteration is predicted to be tolerated by in silico analysis. Since supporting evidence is limited at this time, the clinical significance of this alteration remains unclear.

NM_001365951.3(KIF1B):c.2449G>A (p.Asp817Asn)

Gene: KIF1B (kinesin family member 1B; plus strand). Cytogenetic location: 1p36.22.
Variant type: single nucleotide variant.
Coding change: c.2449G>A on transcript NM_001365951.3 (MANE Select); coding-DNA position 2449, G replaced by A.
Protein change: p.Asp817Asn; replaces aspartic acid 817 with asparagine.
Molecular consequence: missense variant.
Genome position (GRCh38, 1-based): chr1:10,323,974, G>A. VCF-style: chr1-10323974-G-A. GRCh37 (hg19) VCF-style: chr1-10384032-G-A.
Other names: c.2449G>A, p.Asp817Asn (NM_001365952.1); c.2311G>A, p.Asp771Asn (NM_015074.3); short protein forms D771N, D817N.
Identifiers: ClinVar variation 1789444 (VCV001789444.2), dbSNP rs2521622761, ClinGen allele CA338334707.